The following is an entry in ClinVar:

ClinVar aggregate classification (germline): Uncertain significance. Review status: criteria provided, multiple submitters, no conflicts (2 of 4 stars). 4 submissions from 4 submitters: Uncertain significance (4). Last evaluated 2025-12-21.

Conditions:
Neuroblastoma, susceptibility to, 3. Also called: ALK-Related Neuroblastic Tumor Susceptibility. Identifiers: Orphanet 635, MedGen C2751681, MONDO:0013083, OMIM 613014.
Hereditary cancer-predisposing syndrome. Also called: Tumor predisposition; Hereditary Cancer Syndrome; Neoplastic Syndromes, Hereditary; Hereditary neoplastic syndrome. Identifiers: Orphanet 140162, MedGen C0027672, MeSH D009386, MONDO:0015356.

gnomAD v4.1: 33 of 1,613,550 alleles (0.002%); highest among the groups gnomAD compares: Non-Finnish European, 0.0026%; no homozygotes.

Submissions (4):

Labcorp Genetics (formerly Invitae), Labcorp
Classification: Uncertain significance for Neuroblastoma, susceptibility to, 3. Last evaluated: 2025-12-21. Review status: criteria provided, single submitter. Criteria: Invitae Variant Classification Sherloc (09022015). Collection method: clinical testing. Allele origin: germline.
Comment: This sequence change replaces arginine, which is basic and polar, with histidine, which is basic and polar, at codon 1212 of the ALK protein (p.Arg1212His). This variant is present in population databases (rs143790259, gnomAD 0.003%). This variant has not been reported in the literature in individuals affected with ALK-related conditions. ClinVar contains an entry for this variant (Variation ID: 69581). An algorithm developed to predict the effect of missense changes on protein structure and function (PolyPhen-2) suggests that this variant is likely to be disruptive. In summary, the available evidence is currently insufficient to determine the role of this variant in disease. Therefore, it has been classified as a Variant of Uncertain Significance.

GeneDx
Classification: Uncertain significance. Last evaluated: 2024-10-03. Review status: criteria provided, single submitter. Criteria: GeneDx Variant Classification Process June 2021. Collection method: clinical testing. Allele origin: germline. Affected: yes.
Comment: Not observed at significant frequency in large population cohorts (gnomAD); In silico analysis supports that this missense variant has a deleterious effect on protein structure/function; Has not been previously published as pathogenic or benign to our knowledge; This variant is associated with the following publications: (PMID: 36831331, 28912153)

Ambry Genetics
Classification: Uncertain significance for Hereditary cancer-predisposing syndrome. Last evaluated: 2023-12-19. Review status: criteria provided, single submitter. Criteria: Ambry Variant Classification Scheme 2023. Collection method: clinical testing. Allele origin: germline.
Comment: The p.R1212H variant (also known as c.3635G>A), located in coding exon 23 of the ALK gene, results from a G to A substitution at nucleotide position 3635. The arginine at codon 1212 is replaced by histidine, an amino acid with highly similar properties. This amino acid position is highly conserved in available vertebrate species. In addition, the in silico prediction for this alteration is inconclusive. Since supporting evidence is limited at this time, the clinical significance of this alteration remains unclear.

Baylor Genetics
Classification: Uncertain significance for Neuroblastoma, susceptibility to, 3. Last evaluated: 2023-08-31. Review status: criteria provided, single submitter. Criteria: ACMG Guidelines, 2015. Collection method: clinical testing. Allele origin: unknown.

NM_004304.5(ALK):c.3635G>A (p.Arg1212His)

Gene: ALK (ALK receptor tyrosine kinase; minus strand). Cytogenetic location: 2p23.2.
Variant type: single nucleotide variant.
Coding change: c.3635G>A on transcript NM_004304.5 (MANE Select); coding-DNA position 3635, G replaced by A.
Protein change: p.Arg1212His; replaces arginine 1212 with histidine.
Molecular consequence: missense variant.
Genome position (GRCh38, 1-based): chr2:29,220,716, C>T on the plus strand (G>A on the coding strand, the complement: ALK is on the minus strand). VCF-style: chr2-29220716-C-T. GRCh37 (hg19) VCF-style: chr2-29443582-C-T.
Other names: c.431G>A, p.Arg144His (NM_001353765.2); short protein forms R1212H, R144H.
Identifiers: ClinVar variation 69581 (VCV000069581.13), dbSNP rs143790259, ClinGen allele CA44655498.
Genomic context (GRCh38, chr2:29,220,716, plus strand): 5'-TGCTCCTGTCCTTGGCACAACAACTGCAGCAAAGACTGGTTCTCACTCACCGGGCGAGGG[C>T]GGGTCTCTCGGAGGAAGGACTTGAGGTCTCCCCCCGCCATGAGCTCCAGCAGGATGAACC-3'
Protein context (NP_004295.2, residues 1202-1222): GDLKSFLRET[Arg1212His]PRPSQPSSLA